The following is an entry in ClinVar:

ClinVar aggregate classification (germline): Conflicting classifications of pathogenicity. Review status: criteria provided, conflicting classifications (1 of 4 stars). 4 submissions from 4 submitters: Uncertain significance (2); Benign (1); Likely benign (1). Last evaluated 2026-01-02.

Conditions:
Bethlem myopathy 1A. Also called: Bethlem myopathy 1; Bethlem Muscular Dystrophy; MYOPATHY, BENIGN CONGENITAL, WITH CONTRACTURES. Identifiers: Orphanet 610, MedGen CN029274, MONDO:0024530, OMIM 158810.
Ullrich congenital muscular dystrophy 1A. Also called: Ullrich congenital muscular dystrophy 1; Intermediate COL6-RD. Identifiers: Orphanet 75840, MedGen C0410179, MONDO:0009681, OMIM 254090.

Allele frequency attached by ClinVar (database versions not stated): TOPMed 0.00043; ExAC 0.00052; ESP Exome Variant Server 0.00015; gnomAD exomes 0.00029; gnomAD 0.00046.
gnomAD v4.1: 1,104 of 1,592,568 alleles (0.069%); highest among the groups gnomAD compares: Non-Finnish European, 0.086%; 1 homozygote.

Submissions (4):

Labcorp Genetics (formerly Invitae), Labcorp
Classification: Likely benign for Bethlem myopathy 1A. Last evaluated: 2026-01-02. Review status: criteria provided, single submitter. Criteria: Invitae Variant Classification Sherloc (09022015). Collection method: clinical testing. Allele origin: germline.

Women's Health and Genetics/Laboratory Corporation of America, LabCorp
Classification: Benign. Last evaluated: 2023-05-05. Review status: criteria provided, single submitter. Criteria: LabCorp Variant Classification Summary - May 2015. Collection method: clinical testing. Allele origin: germline.
Comment: Variant summary: COL6A1 c.738+14C>T alters a nucleotide located close to a canonical splice site and therefore could affect mRNA splicing, leading to a significantly altered protein sequence. 4/4 computational tools predict no significant impact on normal splicing. However, these predictions have yet to be confirmed by functional studies. The variant allele was found at a frequency of 0.00029 in 218868 control chromosomes. The observed variant frequency is approximately 600 fold of the estimated maximal expected allele frequency for a pathogenic variant in COL6A1 causing Collagen Type VI-Related Disorders phenotype (4.8e-07), strongly suggesting that the variant is benign. To our knowledge, no occurrence of c.738+14C>T in individuals affected with Collagen Type VI-Related Disorders and no experimental evidence demonstrating its impact on protein function have been reported. One clinical diagnostic laboratory has submitted clinical-significance assessments for this variant to ClinVar after 2014 without evidence for independent evaluation. One laboratory classified the variant as likely benign. Based on the evidence outlined above, the variant was classified as benign.

Department of Pathology and Laboratory Medicine, Sinai Health System
Classification: Uncertain significance for Bethlem myopathy 1A; Ullrich congenital muscular dystrophy 1A. Last evaluated: 2022-06-21. Review status: criteria provided, single submitter. Criteria: ACMG Guidelines, 2015. Collection method: research. Allele origin: germline.

Eurofins Ntd Llc (ga)
Classification: Uncertain significance. Last evaluated: 2012-08-28. Review status: criteria provided, single submitter. Criteria: EGL Classification Definitions 2015. Collection method: clinical testing. Allele origin: germline. Observed: 1 variant allele, 1 heterozygote.

NM_001848.3(COL6A1):c.738+14C>T

Gene: COL6A1 (collagen type VI alpha 1 chain; plus strand). Cytogenetic location: 21q22.3.
Variant type: single nucleotide variant.
Coding change: c.738+14C>T on transcript NM_001848.3 (MANE Select); 14 bases into the intron after coding-DNA position 738, C replaced by T.
Molecular consequence: intron variant.
Genome position (GRCh38, 1-based): chr21:45,987,189, C>T. VCF-style: chr21-45987189-C-T. GRCh37 (hg19) VCF-style: chr21-47407103-C-T.
Identifiers: ClinVar variation 93885 (VCV000093885.18), dbSNP rs374896651, ClinGen allele CA221793.